The following is an entry in ClinVar:

NM_000059.4(BRCA2):c.-31A>G

Gene: BRCA2 (BRCA2 DNA repair associated; plus strand). Cytogenetic location: 13q13.1.
Variant type: single nucleotide variant.
Coding change: c.-31A>G on transcript NM_000059.4 (MANE Select); 31 bases upstream of the start codon, A replaced by G.
Molecular consequence: 5 prime UTR variant. On other transcripts: non-coding transcript variant (1), intron variant (1).
Genome position (GRCh38, 1-based): chr13:32,316,430, A>G. VCF-style: chr13-32316430-A-G. GRCh37 (hg19) VCF-style: chr13-32890567-A-G.
Other names: c.-31A>G (NM_001406719.1, NM_001406720.1, NM_001406721.1 and 1 more transcripts); c.-303+763A>G (NM_001406722.1).
Identifiers: ClinVar variation 3724047 (VCV003724047.2).

ClinVar aggregate classification (germline): Uncertain significance (1 of 4 stars; one submission).

Conditions:
Hereditary breast ovarian cancer syndrome. Also called: Hereditary breast and ovarian cancer syndrome; Hereditary breast and/or ovarian cancer syndrome; Hereditary breast and ovarian cancer; Hereditary breast and ovarian cancer syndrome (HBOC); Breast and ovarian cancer; BRCA1- and BRCA2-Associated Hereditary Breast and Ovarian Cancer. Identifiers: Orphanet 145, MedGen C0677776, MeSH D061325, MONDO:0003582. Disease mechanism: loss of function.

Submission:

Labcorp Genetics (formerly Invitae), Labcorp
Classification: Uncertain significance for Hereditary breast ovarian cancer syndrome. Last evaluated: 2024-10-30. Review status: criteria provided, single submitter. Criteria: Invitae Variant Classification Sherloc (09022015). Collection method: clinical testing. Allele origin: germline.
Comment: This variant occurs in a non-coding region of the BRCA2 gene. It does not change the encoded amino acid sequence of the BRCA2 protein. This variant is not present in population databases (gnomAD no frequency). This variant has not been reported in the literature in individuals affected with BRCA2-related conditions. In summary, the available evidence is currently insufficient to determine the role of this variant in disease. Therefore, it has been classified as a Variant of Uncertain Significance.